The following is an entry in ClinVar:

ClinVar aggregate classification (germline): Uncertain significance. Review status: criteria provided, multiple submitters, no conflicts (2 of 4 stars). 2 submissions from 2 submitters: Uncertain significance (2). Last evaluated 2024-05-17.

Allele frequency attached by ClinVar (database versions not stated): gnomAD exomes below 0.00001.

Submissions (2):

Blueprint Genetics
Classification: Uncertain significance. Last evaluated: 2024-05-17. Review status: criteria provided, single submitter. Criteria: ACMG Guidelines, 2015. Collection method: clinical testing. Allele origin: germline.

GeneDx
Classification: Uncertain significance. Last evaluated: 2022-06-15. Review status: criteria provided, single submitter. Criteria: GeneDx Variant Classification Process June 2021. Collection method: clinical testing. Allele origin: germline. Affected: yes.
Comment: Not observed at significant frequency in large population cohorts (gnomAD); In silico analysis supports a deleterious effect on splicing; Has not been previously published as pathogenic or benign to our knowledge

NM_000089.4(COL1A2):c.2997+3A>G

Gene: COL1A2 (collagen type I alpha 2 chain; plus strand). Cytogenetic location: 7q21.3.
Variant type: single nucleotide variant.
Coding change: c.2997+3A>G on transcript NM_000089.4 (MANE Select); 3 bases into the intron after coding-DNA position 2997, A replaced by G.
Molecular consequence: intron variant.
Genome position (GRCh38, 1-based): chr7:94,426,054, A>G. VCF-style: chr7-94426054-A-G. GRCh37 (hg19) VCF-style: chr7-94055366-A-G.
Identifiers: ClinVar variation 1804629 (VCV001804629.2), dbSNP rs2484735437, ClinGen allele CA2580077864.
Genomic context (GRCh38, chr7:94,426,054, plus strand): 5'-ACAGGGTCCTTCTGGTCCTGTTGGTCCTGCTGGTGCTGTTGGCCCAAGAGGTCCTAGTGT[A>G]TGTACATGCTGAAGATTTCTTTGCAACACTAACATTTAGAGAGAATCAGTCCAAAACATC-3'